The following is an entry in ClinVar:

ClinVar aggregate classification (germline): Conflicting classifications of pathogenicity. Review status: criteria provided, conflicting classifications (1 of 4 stars). 3 submissions from 3 submitters: Uncertain significance (2); Likely benign (1). Last evaluated 2025-01-02.

Conditions:
Inborn genetic diseases. Identifiers: MedGen C0950123, MeSH D030342.

Allele frequency attached by ClinVar (database versions not stated): TOPMed 0.00012; gnomAD exomes 0.00002; ExAC 0.00013.
gnomAD v4.1: 41 of 1,613,890 alleles (0.0025%); highest among the groups gnomAD compares: Admixed American, 0.047%; no homozygotes.

Submissions (3):

Ambry Genetics
Classification: Likely benign for Inborn genetic diseases. Last evaluated: 2025-01-02. Review status: criteria provided, single submitter. Criteria: Ambry Variant Classification Scheme 2023. Collection method: clinical testing. Allele origin: germline.

GeneDx
Classification: Uncertain significance. Last evaluated: 2024-11-22. Review status: criteria provided, single submitter. Criteria: GeneDx Variant Classification Process June 2021. Collection method: clinical testing. Allele origin: germline. Affected: yes.
Comment: In silico analysis indicates that this missense variant does not alter protein structure/function; Has not been previously published as pathogenic or benign to our knowledge

Labcorp Genetics (formerly Invitae), Labcorp
Classification: Uncertain significance. Last evaluated: 2022-08-09. Review status: criteria provided, single submitter. Criteria: Invitae Variant Classification Sherloc (09022015). Collection method: clinical testing. Allele origin: germline.
Comment: This sequence change replaces cysteine, which is neutral and slightly polar, with serine, which is neutral and polar, at codon 571 of the LRPPRC protein (p.Cys571Ser). This variant is present in population databases (rs765094280, gnomAD 0.08%). This variant has not been reported in the literature in individuals affected with LRPPRC-related conditions. Algorithms developed to predict the effect of missense changes on protein structure and function (SIFT, PolyPhen-2, Align-GVGD) all suggest that this variant is likely to be tolerated. In summary, the available evidence is currently insufficient to determine the role of this variant in disease. Therefore, it has been classified as a Variant of Uncertain Significance.

NM_133259.4(LRPPRC):c.1712G>C (p.Cys571Ser)

Gene: LRPPRC (leucine rich pentatricopeptide repeat containing; minus strand). Cytogenetic location: 2p21.
Variant type: single nucleotide variant.
Coding change: c.1712G>C on transcript NM_133259.4 (MANE Select); coding-DNA position 1712, G replaced by C.
Protein change: p.Cys571Ser; replaces cysteine 571 with serine.
Molecular consequence: missense variant.
Genome position (GRCh38, 1-based): chr2:43,949,625, C>G on the plus strand (G>C on the coding strand, the complement: LRPPRC is on the minus strand). VCF-style: chr2-43949625-C-G. GRCh37 (hg19) VCF-style: chr2-44176764-C-G.
Other names: c.1712G>C (NM_133259.3); short protein forms C571S.
Identifiers: ClinVar variation 2084154 (VCV002084154.3), dbSNP rs765094280, ClinGen allele CA1638801.